The following is an entry in ClinVar:

NM_152490.5(B3GALNT2):c.726_727del (p.Val243fs)

Gene: B3GALNT2 (beta-1,3-N-acetylgalactosaminyltransferase 2; minus strand). Cytogenetic location: 1q42.3.
Variant type: Deletion.
Coding change: c.726_727del on transcript NM_152490.5 (MANE Select); coding-DNA positions 726 to 727, 2 bases deleted (AG; older notation c.726_727delAG).
Protein change: p.Val243fs; shifts the reading frame from valine 243.
Molecular consequence: frameshift variant.
Genome position (GRCh38, 1-based): chr1:235,470,885-235,470,886, CT deleted on the plus strand (AG on the coding strand, the reverse complement: B3GALNT2 is on the minus strand). VCF-style (leftmost placement, unchanged base first): chr1-235470884-ACT-A. GRCh37 (hg19) VCF-style: chr1-235634198-ACT-A.
Other names: c.849_850del, p.Val284fs (NM_001277155.3); short protein forms V243fs, V284fs.
Identifiers: ClinVar variation 132980 (VCV000132980.1), dbSNP rs367543071, ClinGen allele CA231749.

ClinVar aggregate classification (germline): not provided (0 of 4 stars; one submission).

Submission:

Leiden Muscular Dystrophy pages (B3GALNT2)
No classification provided. Review status: no classification provided. Collection method: not provided. Allele origin: germline, unknown.
Comment: has functional consequence